The following is an entry in ClinVar:

NM_012308.3(KDM2A):c.422A>G (p.Tyr141Cys)

Gene: KDM2A (lysine demethylase 2A; plus strand). Cytogenetic location: 11q13.2.
Variant type: single nucleotide variant.
Coding change: c.422A>G on transcript NM_012308.3 (MANE Select); coding-DNA position 422, A replaced by G.
Protein change: p.Tyr141Cys; replaces tyrosine 141 with cysteine.
Molecular consequence: missense variant. On other transcripts: non-coding transcript variant (1).
Genome position (GRCh38, 1-based): chr11:67,207,624, A>G. VCF-style: chr11-67207624-A-G. GRCh37 (hg19) VCF-style: chr11-66975095-A-G.
Other names: short protein forms Y141C.
Identifiers: ClinVar variation 3778794 (VCV003778794.1).
Genomic context (GRCh38, chr11:67,207,624, plus strand): 5'-TGACCATGGCTCAGTGGACACGCTACTATGAGACCCCAGAGGAGGAGCGAGAGAAACTCT[A>G]TAATGTCATCAGCCTCGAGTTTAGCCACACCAGGCTGGAGAATATGGTGCAGAGGCCCTC-3'
Protein context (NP_036440.1, residues 131-151): ETPEEEREKL[Tyr141Cys]NVISLEFSHT

ClinVar aggregate classification (germline): Likely pathogenic (1 of 4 stars; one submission).

Conditions:
KDM2A-related neurodevelopmental disorder.

Submission:

Institute of Human Genetics, University of Leipzig Medical Center
Classification: Likely pathogenic for KDM2A-related neurodevelopmental disorder. Last evaluated: 2025-01-20. Review status: criteria provided, single submitter. Criteria: ACMG Guidelines, 2015. Collection method: research. Allele origin: de novo. Inheritance: Autosomal dominant inheritance. Affected: yes.
Comment: Criteria applied: PS2_MOD, PS3_MOD, PM2, PP2, PP3

Literature cited by the submitters: DOI 10.1101/2025.03.31.25324695.